The following is an entry in ClinVar:

NM_021035.3(ZNFX1):c.3883C>T (p.Arg1295Cys)

Gene: ZNFX1 (zinc finger NFX1-type containing 1; minus strand). Cytogenetic location: 20q13.13.
Variant type: single nucleotide variant.
Coding change: c.3883C>T on transcript NM_021035.3 (MANE Select); coding-DNA position 3883, C replaced by T.
Protein change: p.Arg1295Cys; replaces arginine 1295 with cysteine.
Molecular consequence: missense variant.
Genome position (GRCh38, 1-based): chr20:49,249,141, G>A on the plus strand (C>T on the coding strand, the complement: ZNFX1 is on the minus strand). VCF-style: chr20-49249141-G-A. GRCh37 (hg19) VCF-style: chr20-47865678-G-A.
Other names: short protein forms R1295C.
Identifiers: ClinVar variation 3823421 (VCV003823421.2).

ClinVar aggregate classification (germline): Uncertain significance. Review status: criteria provided, multiple submitters, no conflicts (2 of 4 stars). 2 submissions from 2 submitters: Uncertain significance (2). Last evaluated 2025-07-11.

Conditions:
Immunodeficiency 91 and hyperinflammation. Identifiers: MedGen C5562073, MONDO:0030491, OMIM 619644.
Inborn genetic diseases. Identifiers: MedGen C0950123, MeSH D030342.

gnomAD v4.1: 5 of 1,614,102 alleles (0.00031%); highest among the groups gnomAD compares: Non-Finnish European, 0.00042%; no homozygotes.

Submissions (2):

3billion
Classification: Uncertain significance for Immunodeficiency 91 and hyperinflammation. Last evaluated: 2025-07-11. Review status: criteria provided, single submitter. Criteria: ACMG Guidelines, 2015. Collection method: clinical testing. Allele origin: germline. Affected: yes.
Comment: The variant is observed at an extremely low frequency in the gnomAD v4.1.0 dataset (total allele frequency: <0.001%). Predicted Consequence/Location: Missense variant. The majority of the known disease-causing variants of this gene are variants expected to result in premature termination of the protein. In silico tool predictions suggest damaging effect of the variant on gene or gene product [REVEL: 0.74 (>=0.6, sensitivity 0.68 and specificity 0.92)]. The variant has been reported as of uncertain significance (ClinVar ID: VCV003823421). Therefore, this variant is classified as VUS according to the recommendation of ACMG/AMP guideline.

Ambry Genetics
Classification: Uncertain significance for Inborn genetic diseases. Last evaluated: 2025-01-30. Review status: criteria provided, single submitter. Criteria: Ambry Variant Classification Scheme 2023. Collection method: clinical testing. Allele origin: germline.